The following is an entry in ClinVar:

NM_177438.3(DICER1):c.4013C>T (p.Ala1338Val)

Gene: DICER1 (dicer 1, ribonuclease III; minus strand). Cytogenetic location: 14q32.13.
Variant type: single nucleotide variant.
Coding change: c.4013C>T on transcript NM_177438.3 (MANE Select); coding-DNA position 4013, C replaced by T.
Protein change: p.Ala1338Val; replaces alanine 1338 with valine.
Molecular consequence: missense variant.
Genome position (GRCh38, 1-based): chr14:95,103,383, G>A on the plus strand (C>T on the coding strand, the complement: DICER1 is on the minus strand). VCF-style: chr14-95103383-G-A. GRCh37 (hg19) VCF-style: chr14-95569720-G-A.
Other names: c.4013C>T, p.Ala1338Val (NM_001195573.1, NM_001271282.3, NM_001291628.2 and 1 more transcripts); short protein forms A1338V.
Identifiers: ClinVar variation 477175 (VCV000477175.15), dbSNP rs766732310, ClinGen allele CA7330960.

ClinVar aggregate classification (germline): Uncertain significance. Review status: criteria provided, multiple submitters, no conflicts (2 of 4 stars). 2 submissions from 2 submitters: Uncertain significance (2). Last evaluated 2025-08-25.

Conditions:
DICER1-related tumor predisposition. Also called: DICER1-related pleuropulmonary blastoma cancer predisposition syndrome; DICER1 syndrome. Identifiers: Orphanet 284343, MedGen C3839822, MONDO:0100216.
Hereditary cancer-predisposing syndrome. Also called: Tumor predisposition; Neoplastic Syndromes, Hereditary; Hereditary Cancer Syndrome; Hereditary neoplastic syndrome. Identifiers: Orphanet 140162, MedGen C0027672, MeSH D009386, MONDO:0015356.

Allele frequency attached by ClinVar (database versions not stated): gnomAD exomes 0.00001; ExAC 0.00002.

Submissions (2):

Ambry Genetics
Classification: Uncertain significance for Hereditary cancer-predisposing syndrome. Last evaluated: 2025-08-25. Review status: criteria provided, single submitter. Criteria: Ambry Variant Classification Scheme 2023. Collection method: clinical testing. Allele origin: germline.
Comment: The p.A1338V variant (also known as c.4013C>T), located in coding exon 20 of the DICER1 gene, results from a C to T substitution at nucleotide position 4013. The alanine at codon 1338 is replaced by valine, an amino acid with similar properties. This amino acid position is highly conserved in available vertebrate species. In addition, this alteration is predicted to be deleterious by in silico analysis. Since supporting evidence is limited at this time, the clinical significance of this alteration remains unclear.

Labcorp Genetics (formerly Invitae), Labcorp
Classification: Uncertain significance for DICER1-related tumor predisposition. Last evaluated: 2025-06-25. Review status: criteria provided, single submitter. Criteria: Invitae Variant Classification Sherloc (09022015). Collection method: clinical testing. Allele origin: germline.
Comment: This sequence change replaces alanine, which is neutral and non-polar, with valine, which is neutral and non-polar, at codon 1338 of the DICER1 protein (p.Ala1338Val). This variant is present in population databases (rs766732310, gnomAD 0.002%). This variant has not been reported in the literature in individuals affected with DICER1-related conditions. ClinVar contains an entry for this variant (Variation ID: 477175). Invitae Evidence Modeling of protein sequence and biophysical properties (such as structural, functional, and spatial information, amino acid conservation, physicochemical variation, residue mobility, and thermodynamic stability) indicates that this missense variant is not expected to disrupt DICER1 protein function with a negative predictive value of 95%. In summary, the available evidence is currently insufficient to determine the role of this variant in disease. Therefore, it has been classified as a Variant of Uncertain Significance.